The following is an entry in ClinVar:

ClinVar aggregate classification (germline): Uncertain significance. Review status: criteria provided, multiple submitters, no conflicts (2 of 4 stars). 2 submissions from 2 submitters: Uncertain significance (2). Last evaluated 2025-12-19.

Conditions:
Hereditary sensory neuropathy-deafness-dementia syndrome. Also called: HSN IE; Hereditary sensory neuropathy type IE; Hereditary Sensory and Autonomic Neuropathy Type 1E (HSAN1E); NEUROPATHY, HEREDITARY SENSORY, WITH HEARING LOSS AND DEMENTIA. Identifiers: Orphanet 456318, MedGen C3279885, MONDO:0013584, OMIM 614116.

Allele frequency attached by ClinVar (database versions not stated): gnomAD exomes below 0.00001; gnomAD 0.00001 and 0.00002; TOPMed 0.00002.
gnomAD v4.1: 11 of 1,599,224 alleles (0.00069%); highest among the groups gnomAD compares: African/African-American, 0.0027%; no homozygotes.

Submissions (2):

Labcorp Genetics (formerly Invitae), Labcorp
Classification: Uncertain significance for Hereditary sensory neuropathy-deafness-dementia syndrome. Last evaluated: 2025-12-19. Review status: criteria provided, single submitter. Criteria: Invitae Variant Classification Sherloc (09022015). Collection method: clinical testing. Allele origin: germline.
Comment: This sequence change replaces lysine, which is basic and polar, with glutamic acid, which is acidic and polar, at codon 1631 of the DNMT1 protein (p.Lys1631Glu). The frequency data for this variant in the population databases is considered unreliable, as metrics indicate poor data quality at this position in the gnomAD database. This variant has not been reported in the literature in individuals affected with DNMT1-related conditions. ClinVar contains an entry for this variant (Variation ID: 1326043). An algorithm developed to predict the effect of missense changes on protein structure and function outputs the following: PolyPhen-2: "Not Available". The glutamic acid amino acid residue is found in multiple mammalian species, which suggests that this missense change does not adversely affect protein function. In summary, the available evidence is currently insufficient to determine the role of this variant in disease. Therefore, it has been classified as a Variant of Uncertain Significance.

GeneDx
Classification: Uncertain significance. Last evaluated: 2021-05-19. Review status: criteria provided, single submitter. Criteria: GeneDx Variant Classification Process June 2021. Collection method: clinical testing. Allele origin: germline. Affected: yes.
Comment: In silico analysis supports that this missense variant does not alter protein structure/function; Has not been previously published as pathogenic or benign to our knowledge

NM_001130823.3(DNMT1):c.4891A>G (p.Lys1631Glu)

Gene: DNMT1 (DNA methyltransferase 1; minus strand). Cytogenetic location: 19p13.2.
Variant type: single nucleotide variant.
Coding change: c.4891A>G on transcript NM_001130823.3 (MANE Select); coding-DNA position 4891, A replaced by G.
Protein change: p.Lys1631Glu; replaces lysine 1631 with glutamic acid.
Molecular consequence: missense variant.
Genome position (GRCh38, 1-based): chr19:10,133,675, T>C on the plus strand (A>G on the coding strand, the complement: DNMT1 is on the minus strand). VCF-style: chr19-10133675-T-C. GRCh37 (hg19) VCF-style: chr19-10244351-T-C.
Other names: c.4852A>G, p.Lys1618Glu (NM_001318730.2); c.4528A>G, p.Lys1510Glu (NM_001318731.2); c.4843A>G, p.Lys1615Glu (NM_001379.4); short protein forms K1510E, K1615E, K1618E, K1631E.
Identifiers: ClinVar variation 1326043 (VCV001326043.6), dbSNP rs1004658637, ClinGen allele CA305217008.